The following is an entry in ClinVar:

NM_001292063.2(OTOG):c.5235C>A (p.Leu1745=)

Gene: OTOG (otogelin; plus strand). Cytogenetic location: 11p15.1.
Variant type: single nucleotide variant.
Coding change: c.5235C>A on transcript NM_001292063.2 (MANE Select); coding-DNA position 5235, C replaced by A.
Protein change: p.Leu1745=; no amino-acid change (leucine 1745 retained).
Molecular consequence: synonymous variant.
Genome position (GRCh38, 1-based): chr11:17,610,535, C>A. VCF-style: chr11-17610535-C-A. GRCh37 (hg19) VCF-style: chr11-17632082-C-A.
Other names: c.5271C>A, p.Leu1757= (NM_001277269.2).
Identifiers: ClinVar variation 226896 (VCV000226896.44), dbSNP rs193083374, ClinGen allele CA5905904.

ClinVar aggregate classification (germline): Benign. Review status: criteria provided, multiple submitters, no conflicts (2 of 4 stars). 7 submissions from 7 submitters: Benign (7). Last evaluated 2026-08-01.

Allele frequency attached by ClinVar (database versions not stated): 1000 Genomes Project 0.00280; 1000 Genomes Project 30x 0.00328; ExAC 0.00442; gnomAD exomes 0.00601; gnomAD 0.00657 and 0.00701; TOPMed 0.00672.
gnomAD v4.1: 14,562 of 1,550,622 alleles (0.94%); highest among the groups gnomAD compares: Non-Finnish European, 1.1%; 88 homozygotes.

Submissions (7):

CeGaT Center for Human Genetics Tuebingen
Classification: Benign. Last evaluated: 2026-08-01. Review status: criteria provided, single submitter. Criteria: CeGaT Center For Human Genetics Tuebingen Variant Classification Criteria Version 2. Collection method: clinical testing. Allele origin: germline. Affected: yes. Observed: 18 variant alleles.
Comment: OTOG: BP4, BP7, BS1, BS2

Labcorp Genetics (formerly Invitae), Labcorp
Classification: Benign. Last evaluated: 2026-01-05. Review status: criteria provided, single submitter. Criteria: Invitae Variant Classification Sherloc (09022015). Collection method: clinical testing. Allele origin: germline.

Athena Diagnostics
Classification: Benign. Last evaluated: 2018-08-31. Review status: criteria provided, single submitter. Criteria: Athena Diagnostics Criteria. Collection method: clinical testing. Allele origin: germline.

GeneDx
Classification: Benign. Last evaluated: 2018-07-31. Review status: criteria provided, single submitter. Criteria: GeneDx Variant Classification Process June 2021. Collection method: clinical testing. Allele origin: germline. Affected: yes.

Eurofins Ntd Llc (ga)
Classification: Benign. Last evaluated: 2017-01-19. Review status: criteria provided, single submitter. Criteria: EGL Classification Definitions 2015. Collection method: clinical testing. Allele origin: germline. Observed: 1 variant allele, 1 heterozygote.

Laboratory for Molecular Medicine, Mass General Brigham Personalized Medicine
Classification: Benign. Last evaluated: 2014-11-24. Review status: criteria provided, single submitter. Criteria: LMM Criteria. Collection method: clinical testing. Allele origin: germline. Observed: 20 variant alleles.
Comment: Leu1757Leu in exon 35 of OTOG: This variant is not expected to have clinical sig nificance because it does not alter an amino acid residue and is not located wit hin the splice consensus sequence. It has been identified in 2.9% (5/170) of Eur opean American chromosomes from a broad population by the 1000 Genomes Project (dbSNP rs193083374).

Breakthrough Genomics
Classification: Benign. Review status: criteria provided, single submitter. Criteria: ACMG Guidelines, 2015. Collection method: not provided. Allele origin: germline. Inheritance: Autosomal recessive inheritance. Affected: yes.